The following is an entry in ClinVar:

NM_003718.5(CDK13):c.607C>T (p.Arg203Cys)

Genes: CDK13 (cyclin dependent kinase 13; plus strand), LOC129998293 (ATAC-STARR-seq lymphoblastoid silent region 18116; plus strand). Cytogenetic location: 7p14.1.
Variant type: single nucleotide variant.
Coding change: c.607C>T on transcript NM_003718.5 (MANE Select); coding-DNA position 607, C replaced by T.
Protein change: p.Arg203Cys; replaces arginine 203 with cysteine.
Molecular consequence: missense variant.
Genome position (GRCh38, 1-based): chr7:39,951,248, C>T. VCF-style: chr7-39951248-C-T. GRCh37 (hg19) VCF-style: chr7-39990847-C-T.
Other names: c.607C>T, p.Arg203Cys (NM_031267.4); short protein forms R203C.
Identifiers: ClinVar variation 1709330 (VCV001709330.2), dbSNP rs1583892640, ClinGen allele CA367310084.

ClinVar aggregate classification (germline): Uncertain significance (1 of 4 stars; one submission).

Conditions:
Congenital heart defects, dysmorphic facial features, and intellectual developmental disorder (CHDFIDD). Identifiers: Orphanet 646278, MedGen C4479246, MONDO:0044302, OMIM 617360.

gnomAD v4.1: 2 of 1,300,544 alleles (0.00015%); highest among the groups gnomAD compares: East Asian, 0.0031%; no homozygotes.

Submission:

MGZ Medical Genetics Center
Classification: Uncertain significance for Congenital heart defects, dysmorphic facial features, and intellectual developmental disorder. Last evaluated: 2022-04-28. Review status: criteria provided, single submitter. Criteria: ACMG Guidelines, 2015. Collection method: clinical testing. Allele origin: germline. Affected: yes. Observed: 2 variant alleles.
Comment: ACMG criteria applied: PM2_SUP, PP2, BP4